The following is an entry in ClinVar:

ClinVar aggregate classification (germline): Pathogenic (1 of 4 stars; one submission).

Conditions:
Multiple endocrine neoplasia, type 1 (MEN1). Also called: Endocrine adenomatosis multiple; MEN 1; MEA I; MEN I; WERMER SYNDROME. Identifiers: Orphanet 652, MedGen C0025267, MeSH D018761, MONDO:0007540, OMIM 131100.

Submission:

Labcorp Genetics (formerly Invitae), Labcorp
Classification: Pathogenic for Multiple endocrine neoplasia, type 1. Last evaluated: 2023-11-15. Review status: criteria provided, single submitter. Criteria: Invitae Variant Classification Sherloc (09022015). Collection method: clinical testing. Allele origin: germline.
Comment: This sequence change creates a premature translational stop signal (p.Cys409*) in the MEN1 gene. It is expected to result in an absent or disrupted protein product. Loss-of-function variants in MEN1 are known to be pathogenic (PMID: 12112656, 17853334). This variant is not present in population databases (gnomAD no frequency). This premature translational stop signal has been observed in individuals with MEN1-related conditions (PMID: 15635078, 22522645). For these reasons, this variant has been classified as Pathogenic.

Literature cited by the submitters: PubMed 12112656; PubMed 17853334; PubMed 15635078; PubMed 22522645.

NM_001370259.2(MEN1):c.1227C>A (p.Cys409Ter)

Gene: MEN1 (menin 1; minus strand). Cytogenetic location: 11q13.1.
Variant type: single nucleotide variant.
Coding change: c.1227C>A on transcript NM_001370259.2 (MANE Select); coding-DNA position 1227, C replaced by A.
Protein change: p.Cys409Ter; replaces cysteine 409 with a stop codon.
Molecular consequence: nonsense. On other transcripts: non-coding transcript variant (4), intron variant (1).
Genome position (GRCh38, 1-based): chr11:64,805,157, G>T on the plus strand (C>A on the coding strand, the complement: MEN1 is on the minus strand). VCF-style: chr11-64805157-G-T. GRCh37 (hg19) VCF-style: chr11-64572629-G-T.
Other names: c.1227C>A, p.Cys409Ter (NM_001370260.2, NM_001370261.2, NM_001407146.1 and 2 more transcripts); c.1122C>A, p.Cys374Ter (NM_001370262.2, NM_001370263.2, NM_001407148.1 and 1 more transcripts); c.1353C>A, p.Cys451Ter (NM_001407142.1, NM_001407143.1, NM_001407144.1 and 1 more transcripts); c.1242C>A, p.Cys414Ter (NM_001407145.1, NM_000244.4, NM_130800.3 and 4 more transcripts); c.1368C>A, p.Cys456Ter (NM_001407150.1); c.1248C>A, p.Cys416Ter (NM_001407151.1); c.1186-341C>A (NM_001407152.1); short protein forms C374*, C409*, C414*, C456*, C416*, C451*.
Identifiers: ClinVar variation 2735648 (VCV002735648.3), dbSNP rs1941619859, ClinGen allele CA381180662.
Genomic context (GRCh38, chr11:64,805,157, plus strand): 5'-CGTGGGACTGCCCTCCTCCCATTTGCAGATGCCGTCGTAGAATCGCAGCAGGTGGGCGAA[G>T]CACTCAGGGTCCTGGAGGGCGGAACCTTGGCTCTGGGTGCCCTGGACGAGGGGGAAGGGA-3'